The following is an entry in ClinVar:

ClinVar aggregate classification (germline): Pathogenic (1 of 4 stars; one submission).

Allele frequency attached by ClinVar (database versions not stated): gnomAD exomes below 0.00001; TOPMed below 0.00001; ExAC 0.00001; gnomAD 0.00001.
gnomAD v4.1: 17 of 1,614,108 alleles (0.0011%); highest among the groups gnomAD compares: Admixed American, 0.0017%; no homozygotes.

Submission:

Labcorp Genetics (formerly Invitae), Labcorp
Classification: Pathogenic. Last evaluated: 2024-03-14. Review status: criteria provided, single submitter. Criteria: Invitae Variant Classification Sherloc (09022015). Collection method: clinical testing. Allele origin: germline.
Comment: This sequence change creates a premature translational stop signal (p.Arg994*) in the PCNT gene. It is expected to result in an absent or disrupted protein product. Loss-of-function variants in PCNT are known to be pathogenic (PMID: 18174396, 22821869). This variant is present in population databases (rs768317443, gnomAD 0.002%). This variant has not been reported in the literature in individuals affected with PCNT-related conditions. ClinVar contains an entry for this variant (Variation ID: 1451665). For these reasons, this variant has been classified as Pathogenic.

Literature cited by the submitters: PubMed 18174396; PubMed 22821869.

NM_006031.6(PCNT):c.2980C>T (p.Arg994Ter)

Gene: PCNT (pericentrin; plus strand). Cytogenetic location: 21q22.3.
Variant type: single nucleotide variant.
Coding change: c.2980C>T on transcript NM_006031.6 (MANE Select); coding-DNA position 2980, C replaced by T.
Protein change: p.Arg994Ter; replaces arginine 994 with a stop codon.
Molecular consequence: nonsense.
Genome position (GRCh38, 1-based): chr21:46,366,954, C>T. VCF-style: chr21-46366954-C-T. GRCh37 (hg19) VCF-style: chr21-47786869-C-T.
Other names: c.2626C>T, p.Arg876Ter (NM_001315529.2); short protein forms R994*, R876*.
Identifiers: ClinVar variation 1451665 (VCV001451665.6), dbSNP rs768317443, ClinGen allele CA10079141.